The following is an entry in ClinVar:

ClinVar aggregate classification (germline): Uncertain significance (1 of 4 stars; one submission).

Allele frequency attached by ClinVar (database versions not stated): TOPMed 0.00001; gnomAD 0.00003.
gnomAD v4.1: 5 of 1,613,706 alleles (0.00031%); highest among the groups gnomAD compares: African/African-American, 0.0067%; no homozygotes.

Submission:

Labcorp Genetics (formerly Invitae), Labcorp
Classification: Uncertain significance. Last evaluated: 2021-08-04. Review status: criteria provided, single submitter. Criteria: Invitae Variant Classification Sherloc (09022015). Collection method: clinical testing. Allele origin: germline.
Comment: This sequence change replaces glutamic acid with valine at codon 183 of the CEP250 protein (p.Glu183Val). The glutamic acid residue is moderately conserved and there is a moderate physicochemical difference between glutamic acid and valine. The frequency data for this variant in the population databases is considered unreliable, as metrics indicate poor data quality at this position in the ExAC database. This missense change has been observed in individual(s) with clinical features of Usher syndrome (Invitae). Algorithms developed to predict the effect of missense changes on protein structure and function are either unavailable or do not agree on the potential impact of this missense change (SIFT: "Not Available"; PolyPhen-2: "Possibly Damaging"; Align-GVGD: "Not Available"). In summary, the available evidence is currently insufficient to determine the role of this variant in disease. Therefore, it has been classified as a Variant of Uncertain Significance.

NM_007186.6(CEP250):c.548A>T (p.Glu183Val)

Gene: CEP250 (centrosomal protein 250; plus strand). Cytogenetic location: 20q11.22.
Variant type: single nucleotide variant.
Coding change: c.548A>T on transcript NM_007186.6 (MANE Select); coding-DNA position 548, A replaced by T.
Protein change: p.Glu183Val; replaces glutamic acid 183 with valine.
Molecular consequence: missense variant. On other transcripts: 5 prime UTR variant (1).
Genome position (GRCh38, 1-based): chr20:35,467,021, A>T. VCF-style: chr20-35467021-A-T. GRCh37 (hg19) VCF-style: chr20-34054846-A-T.
Other names: c.-1352A>T (NM_001318219.1); short protein forms E183V.
Identifiers: ClinVar variation 1931288 (VCV001931288.2), dbSNP rs763738378, ClinGen allele CA9832640.